The following is an entry in ClinVar:

ClinVar aggregate classification (germline): Uncertain significance. Review status: criteria provided, multiple submitters, no conflicts (2 of 4 stars). 3 submissions from 3 submitters: Uncertain significance (3). Last evaluated 2025-05-29.

Conditions:
ANKRD26-related disorder. Also called: ANKRD26-related condition.
Inborn genetic diseases. Identifiers: MedGen C0950123, MeSH D030342.

Allele frequency attached by ClinVar (database versions not stated): gnomAD exomes below 0.00001; TOPMed 0.00002; gnomAD 0.00003.
gnomAD v4.1: 7 of 1,613,980 alleles (0.00043%); highest among the groups gnomAD compares: African/African-American, 0.0093%; no homozygotes.

Submissions (3):

Ambry Genetics
Classification: Uncertain significance for Inborn genetic diseases. Last evaluated: 2025-05-29. Review status: criteria provided, single submitter. Criteria: Ambry Variant Classification Scheme 2023. Collection method: clinical testing. Allele origin: germline.
Comment: The p.S1634Y variant (also known as c.4901C>A), located in coding exon 32 of the ANKRD26 gene, results from a C to A substitution at nucleotide position 4901. The serine at codon 1634 is replaced by tyrosine, an amino acid with dissimilar properties. This amino acid position is conserved. In addition, this alteration is predicted to be tolerated by in silico analysis. Based on the available evidence, the clinical significance of this variant remains unclear.

GeneDx
Classification: Uncertain significance. Last evaluated: 2024-04-04. Review status: criteria provided, single submitter. Criteria: GeneDx Variant Classification Process June 2021. Collection method: clinical testing. Allele origin: germline. Affected: yes.
Comment: Not observed at significant frequency in large population cohorts (gnomAD); In silico analysis supports that this missense variant has a deleterious effect on protein structure/function; Has not been previously published as pathogenic or benign to our knowledge

PreventionGenetics, part of Exact Sciences
Classification: Uncertain significance for ANKRD26-related condition. Last evaluated: 2023-02-03. Review status: criteria provided, single submitter. Criteria: ACMG Guidelines, 2015. Collection method: clinical testing. Allele origin: germline.
Comment: The ANKRD26 c.4901C>A variant is predicted to result in the amino acid substitution p.Ser1634Tyr. To our knowledge, this variant has not been reported in the literature or in a large population database, indicating this variant is rare. At this time, the clinical significance of this variant is uncertain due to the absence of conclusive functional and genetic evidence.

NM_014915.3(ANKRD26):c.4901C>A (p.Ser1634Tyr)

Gene: ANKRD26 (ankyrin repeat domain containing 26; minus strand). Cytogenetic location: 10p12.1.
Variant type: single nucleotide variant.
Coding change: c.4901C>A on transcript NM_014915.3 (MANE Select); coding-DNA position 4901, C replaced by A.
Protein change: p.Ser1634Tyr; replaces serine 1634 with tyrosine.
Molecular consequence: missense variant.
Genome position (GRCh38, 1-based): chr10:27,012,934, G>T on the plus strand (C>A on the coding strand, the complement: ANKRD26 is on the minus strand). VCF-style: chr10-27012934-G-T. GRCh37 (hg19) VCF-style: chr10-27301863-G-T.
Other names: c.4898C>A, p.Ser1633Tyr (NM_001256053.2); short protein forms S1633Y, S1634Y.
Identifiers: ClinVar variation 2636553 (VCV002636553.3), dbSNP rs915022204, ClinGen allele CA204428094.